The following is an entry in ClinVar:

NM_004385.5(VCAN):c.5902C>G (p.Gln1968Glu)

Genes: VCAN (versican; plus strand), VCAN-AS1 (VCAN antisense RNA 1; minus strand). Cytogenetic location: 5q14.3.
Variant type: single nucleotide variant.
Coding change: c.5902C>G on transcript NM_004385.5 (MANE Select); coding-DNA position 5902, C replaced by G.
Protein change: p.Gln1968Glu; replaces glutamine 1968 with glutamic acid.
Molecular consequence: missense variant. On other transcripts: intron variant (2).
Genome position (GRCh38, 1-based): chr5:83,538,905, C>G. VCF-style: chr5-83538905-C-G. GRCh37 (hg19) VCF-style: chr5-82834724-C-G.
Other names: c.2941C>G, p.Gln981Glu (NM_001164097.2); c.4004-6632C>G (NM_001164098.2); c.1043-6632C>G (NM_001126336.3); c.5902C>G (NM_004385.4); short protein forms Q981E, Q1968E.
Identifiers: ClinVar variation 1410017 (VCV001410017.31), dbSNP rs775630677, ClinGen allele CA3333394.
Genomic context (GRCh38, chr5:83,538,905, plus strand): 5'-ATAGCAAAAGAAGAAACGGTAATGATGGAAGGCTCTGGAGATGCAGCATTTAGGGACACC[C>G]AGACTTCACCATCTACAGTACCTACTTCAGTTCACATCAGTCACATATCTGACTCAGAAG-3'
Protein context (NP_004376.2, residues 1958-1978): GSGDAAFRDT[Gln1968Glu]TSPSTVPTSV

ClinVar aggregate classification (germline): Conflicting classifications of pathogenicity. Review status: criteria provided, conflicting classifications (1 of 4 stars). 4 submissions from 4 submitters: Uncertain significance (3); Likely benign (1). Last evaluated 2025-09-09.

Conditions:
VCAN-related disorder. Also called: VCAN-related condition.
Inborn genetic diseases. Identifiers: MedGen C0950123, MeSH D030342.

Allele frequency attached by ClinVar (database versions not stated): gnomAD 0.00001; ExAC 0.00002; gnomAD exomes 0.00002 and 0.00004; TOPMed 0.00003.
gnomAD v4.1: 15 of 1,613,856 alleles (0.00093%); highest among the groups gnomAD compares: Admixed American, 0.018%; no homozygotes.

Submissions (4):

Labcorp Genetics (formerly Invitae), Labcorp
Classification: Uncertain significance. Last evaluated: 2025-09-09. Review status: criteria provided, single submitter. Criteria: Invitae Variant Classification Sherloc (09022015). Collection method: clinical testing. Allele origin: germline.
Comment: This sequence change replaces glutamine, which is neutral and polar, with glutamic acid, which is acidic and polar, at codon 1968 of the VCAN protein (p.Gln1968Glu). This variant is present in population databases (rs775630677, gnomAD 0.02%). This variant has not been reported in the literature in individuals affected with VCAN-related conditions. ClinVar contains an entry for this variant (Variation ID: 1410017). An algorithm developed to predict the effect of missense changes on protein structure and function outputs the following: PolyPhen-2: "Benign". The glutamic acid amino acid residue is found in multiple mammalian species, which suggests that this missense change does not adversely affect protein function. In summary, the available evidence is currently insufficient to determine the role of this variant in disease. Therefore, it has been classified as a Variant of Uncertain Significance.

Ambry Genetics
Classification: Uncertain significance for Inborn genetic diseases. Last evaluated: 2025-04-17. Review status: criteria provided, single submitter. Criteria: Ambry Variant Classification Scheme 2023. Collection method: clinical testing. Allele origin: germline.

PreventionGenetics, part of Exact Sciences
Classification: Uncertain significance for VCAN-related condition. Last evaluated: 2023-08-31. Review status: criteria provided, single submitter. Criteria: ACMG Guidelines, 2015. Collection method: clinical testing. Allele origin: germline.
Comment: The VCAN c.5902C>G variant is predicted to result in the amino acid substitution p.Gln1968Glu. To our knowledge, this variant has not been reported in the literature. This variant is reported in 0.014% of alleles in individuals of Latino descent in gnomAD. At this time, the clinical significance of this variant is uncertain due to the absence of conclusive functional and genetic evidence.

CeGaT Center for Human Genetics Tuebingen
Classification: Likely benign. Last evaluated: 2023-02-01. Review status: criteria provided, single submitter. Criteria: CeGaT Center For Human Genetics Tuebingen Variant Classification Criteria Version 2. Collection method: clinical testing. Allele origin: germline. Affected: yes. Observed: 1 variant allele.
Comment: VCAN: BP4, BS2